The following is an entry in ClinVar:

NM_000531.6(OTC):c.628A>G (p.Lys210Glu)

Gene: OTC (ornithine transcarbamylase; plus strand). Cytogenetic location: Xp11.4.
Variant type: single nucleotide variant.
Coding change: c.628A>G on transcript NM_000531.6 (MANE Select); coding-DNA position 628, A replaced by G.
Protein change: p.Lys210Glu; replaces lysine 210 with glutamic acid.
Molecular consequence: missense variant.
Genome position (GRCh38, 1-based): chrX:38,403,705, A>G. VCF-style: chrX-38403705-A-G. GRCh37 (hg19) VCF-style: chrX-38262958-A-G.
Other names: c.628A>G, p.Lys210Glu (NM_001407092.1); short protein forms K210E.
Identifiers: ClinVar variation 1878295 (VCV001878295.3), dbSNP rs72558418, ClinGen allele CA412725769.

ClinVar aggregate classification (germline): Likely pathogenic. Review status: criteria provided, multiple submitters, no conflicts (2 of 4 stars). 2 submissions from 2 submitters: Likely pathogenic (2). Last evaluated 2025-03-06.

Conditions:
Ornithine carbamoyltransferase deficiency (OTCD). Also called: ORNITHINE TRANSCARBAMYLASE DEFICIENCY; Ornithine Carbamoyltransferase Deficiency Disease; OTC DEFICIENCY; ORNITHINE TRANSCARBAMYLASE DEFICIENCY, HYPERAMMONEMIA DUE TO. Identifiers: Orphanet 664, MedGen C0268542, MONDO:0010703, OMIM 311250.

Submissions (2):

GeneDx
Classification: Likely pathogenic. Last evaluated: 2025-03-06. Review status: criteria provided, single submitter. Criteria: GeneDx Variant Classification Process June 2021. Collection method: clinical testing. Allele origin: germline. Affected: yes.
Comment: Not observed at significant frequency in large population cohorts (gnomAD); In silico analysis supports that this missense variant has a deleterious effect on protein structure/function; This variant is associated with the following publications: (PMID: Preue_2008_Thesis, 23278509, 36303552, 28107167)

Women's Health and Genetics/Laboratory Corporation of America, LabCorp
Classification: Likely pathogenic for Ornithine carbamoyltransferase deficiency. Last evaluated: 2022-12-02. Review status: criteria provided, single submitter. Criteria: LabCorp Variant Classification Summary - May 2015. Collection method: clinical testing. Allele origin: germline.
Comment: Variant summary: OTC c.628A>G (p.Lys210Glu) results in a conservative amino acid change located in the Aspartate/ornithine carbamoyltransferase, Asp/Orn-binding domain (IPR006131) of the encoded protein sequence. Four of five in-silico tools predict a damaging effect of the variant on protein function. The variant was absent in 183084 control chromosomes (gnomAD). The available data on variant occurrences in the general population are insufficient to allow any conclusion about variant significance. c.628A>G has been reported in the literature in female patients with Ornithine Transcarbamylase Deficiency who authors describe as manifesting/symptomatic heterozygotes (Storkanova_2013, Krijt_2017), while it has also been reported in one hemizygote patient (Preube_2008). De novo occurrence was noted for at least one of the symptomatic females. Heterozygous females have been reported to have a wide spectrum of disease manifestation due to variable X-inactivation pattern in the liver (Storkanova_2013). These data indicate that the variant is likely to be associated with disease. To our knowledge, no experimental evidence demonstrating an impact on protein function has been reported. No clinical diagnostic laboratories have submitted clinical-significance assessments for this variant to ClinVar after 2014. Based on the evidence outlined above, the variant was classified as likely pathogenic.

Literature cited by the submitters: PubMed 23278509 (cited by Women's Health and Genetics/Laboratory Corporation of America, LabCorp); PubMed 36303552 (cited by Women's Health and Genetics/Laboratory Corporation of America, LabCorp); PubMed 28107167 (cited by Women's Health and Genetics/Laboratory Corporation of America, LabCorp).